The following is an entry in ClinVar:

ClinVar aggregate classification (germline): Uncertain significance (1 of 4 stars; one submission).

gnomAD v4.1: 1 of 1,614,126 alleles (0.000062%); highest among the groups gnomAD compares: Non-Finnish European, 0.000085%; no homozygotes.

Submission:

GeneDx
Classification: Uncertain significance. Last evaluated: 2023-12-01. Review status: criteria provided, single submitter. Criteria: GeneDx Variant Classification Process June 2021. Collection method: clinical testing. Allele origin: germline. Affected: yes.
Comment: Not observed at significant frequency in large population cohorts (gnomAD); In silico analysis supports that this missense variant has a deleterious effect on protein structure/function; Has not been previously published as pathogenic or benign to our knowledge

NM_003024.3(ITSN1):c.3692T>C (p.Leu1231Ser)

Gene: ITSN1 (intersectin 1; plus strand). Cytogenetic location: 21q22.11.
Variant type: single nucleotide variant.
Coding change: c.3692T>C on transcript NM_003024.3 (MANE Select); coding-DNA position 3692, T replaced by C.
Protein change: p.Leu1231Ser; replaces leucine 1231 with serine.
Molecular consequence: missense variant.
Genome position (GRCh38, 1-based): chr21:33,856,766, T>C. VCF-style: chr21-33856766-T-C. GRCh37 (hg19) VCF-style: chr21-35229070-T-C.
Other names: c.3677T>C, p.Leu1226Ser (NM_001331010.2); short protein forms L1226S, L1231S.
Identifiers: ClinVar variation 3364864 (VCV003364864.1).